The following is an entry in ClinVar:

NM_000158.4(GBE1):c.793A>G (p.Thr265Ala)

Gene: GBE1 (1,4-alpha-glucan branching enzyme 1; minus strand). Cytogenetic location: 3p12.2.
Variant type: single nucleotide variant.
Coding change: c.793A>G on transcript NM_000158.4 (MANE Select); coding-DNA position 793, A replaced by G.
Protein change: p.Thr265Ala; replaces threonine 265 with alanine.
Molecular consequence: missense variant.
Genome position (GRCh38, 1-based): chr3:81,642,980, T>C on the plus strand (A>G on the coding strand, the complement: GBE1 is on the minus strand). VCF-style: chr3-81642980-T-C. GRCh37 (hg19) VCF-style: chr3-81692131-T-C.
Other names: short protein forms T265A.
Identifiers: ClinVar variation 2180742 (VCV002180742.1), dbSNP rs17856389, ClinGen allele CA2499853.
Genomic context (GRCh38, chr3:81,642,980, plus strand): 5'-AGAGGACTATGATACCCATGGAATGAGCTGTGTCTACCAGTTCTTGTAGCTCTTCAGGTG[T>C]TCCATAACGGCTAACAATGAAGAACACAGCAAAAAGAAGATTACATCACATTTAGAGGAA-3'
Protein context (NP_000149.4, residues 255-275): SFFAASSRYG[Thr265Ala]PEELQELVDT

ClinVar aggregate classification (germline): Uncertain significance (1 of 4 stars; one submission).

Conditions:
Glycogen storage disease, type IV (GSD4). Also called: Glycogen storage disease due to glycogen branching enzyme deficiency; CIRRHOSIS, FAMILIAL, WITH DEPOSITION OF ABNORMAL GLYCOGEN; GBE1 DEFICIENCY; GLYCOGEN BRANCHING ENZYME DEFICIENCY; GLYCOGENOSIS IV; GSD IV. Identifiers: Orphanet 367, MedGen C0017923, MONDO:0009292, OMIM 232500.
Glycogen storage disease IV, classic hepatic. Also called: GSD IV, CLASSIC HEPATIC. Identifiers: MedGen C1856301.

Allele frequency attached by ClinVar (database versions not stated): TOPMed 0.00001; ExAC 0.00003.
gnomAD v4.1: 13 of 1,607,210 alleles (0.00081%); highest among the groups gnomAD compares: Non-Finnish European, 0.00051%; no homozygotes.

Submission:

Labcorp Genetics (formerly Invitae), Labcorp
Classification: Uncertain significance for Glycogen storage disease, type IV; Glycogen storage disease IV, classic hepatic. Last evaluated: 2022-05-03. Review status: criteria provided, single submitter. Criteria: Invitae Variant Classification Sherloc (09022015). Collection method: clinical testing. Allele origin: germline.
Comment: This sequence change replaces threonine, which is neutral and polar, with alanine, which is neutral and non-polar, at codon 265 of the GBE1 protein (p.Thr265Ala). This variant is present in population databases (rs17856389, gnomAD 0.04%). This variant has not been reported in the literature in individuals affected with GBE1-related conditions. Algorithms developed to predict the effect of missense changes on protein structure and function are either unavailable or do not agree on the potential impact of this missense change (SIFT: "Deleterious"; PolyPhen-2: "Possibly Damaging"; Align-GVGD: "Class C0"). In summary, the available evidence is currently insufficient to determine the role of this variant in disease. Therefore, it has been classified as a Variant of Uncertain Significance.